The following is an entry in ClinVar:

ClinVar aggregate classification (germline): Uncertain significance (1 of 4 stars; one submission).

Submission:

Labcorp Genetics (formerly Invitae), Labcorp
Classification: Uncertain significance. Last evaluated: 2025-07-27. Review status: criteria provided, single submitter. Criteria: Invitae Variant Classification Sherloc (09022015). Collection method: clinical testing. Allele origin: germline.
Comment: This sequence change replaces aspartic acid, which is acidic and polar, with valine, which is neutral and non-polar, at codon 677 of the KIAA1549 protein (p.Asp677Val). This variant is not present in population databases (gnomAD no frequency). This variant has not been reported in the literature in individuals affected with KIAA1549-related conditions. ClinVar contains an entry for this variant (Variation ID: 2116273). An algorithm developed to predict the effect of missense changes on protein structure and function (PolyPhen-2) suggests that this variant is likely to be tolerated. In summary, the available evidence is currently insufficient to determine the role of this variant in disease. Therefore, it has been classified as a Variant of Uncertain Significance.

NM_001164665.2(KIAA1549):c.2030A>T (p.Asp677Val)

Gene: KIAA1549 (KIAA1549; minus strand). Cytogenetic location: 7q34.
Variant type: single nucleotide variant.
Coding change: c.2030A>T on transcript NM_001164665.2 (MANE Select); coding-DNA position 2030, A replaced by T.
Protein change: p.Asp677Val; replaces aspartic acid 677 with valine.
Molecular consequence: missense variant.
Genome position (GRCh38, 1-based): chr7:138,917,596, T>A on the plus strand (A>T on the coding strand, the complement: KIAA1549 is on the minus strand). VCF-style: chr7-138917596-T-A. GRCh37 (hg19) VCF-style: chr7-138602342-T-A.
Other names: c.2030A>T, p.Asp677Val (NM_020910.3); short protein forms D677V.
Identifiers: ClinVar variation 2116273 (VCV002116273.4), dbSNP rs2485557532, ClinGen allele CA369394437.